The following is an entry in ClinVar:

ClinVar aggregate classification (germline): Pathogenic (1 of 4 stars; one submission).

Conditions:
Isolated microphthalmia 2. Identifiers: Orphanet 2542, MedGen C1864720, MONDO:0012409, OMIM 610093.

Submission:

Labcorp Genetics (formerly Invitae), Labcorp
Classification: Pathogenic for Isolated microphthalmia 2. Last evaluated: 2021-08-02. Review status: criteria provided, single submitter. Criteria: Invitae Variant Classification Sherloc (09022015). Collection method: clinical testing. Allele origin: germline.
Comment: For these reasons, this variant has been classified as Pathogenic. Algorithms developed to predict the effect of sequence changes on RNA splicing suggest that this variant may create or strengthen a splice site. This variant has not been reported in the literature in individuals affected with VSX2-related conditions. This variant is not present in population databases (ExAC no frequency). This sequence change creates a premature translational stop signal (p.Arg28Serfs*13) in the VSX2 gene. It is expected to result in an absent or disrupted protein product. Loss-of-function variants in VSX2 are known to be pathogenic (PMID: 20414678).

Literature cited by the submitters: PubMed 20414678.

NM_182894.3(VSX2):c.84del (p.Arg28fs)

Gene: VSX2 (visual system homeobox 2; plus strand). Cytogenetic location: 14q24.3.
Variant type: Deletion.
Coding change: c.84del on transcript NM_182894.3 (MANE Select); coding-DNA position 84, one base deleted (G; older notation c.84delG).
Protein change: p.Arg28fs; shifts the reading frame from arginine 28.
Molecular consequence: frameshift variant.
Genome position (GRCh38, 1-based): chr14:74,239,645, G deleted; the last of 2 consecutive G bases (chr14:74,239,644-74,239,645); deleting either gives the same sequence. VCF-style (leftmost placement, unchanged base first): chr14-74239643-AG-A. GRCh37 (hg19) VCF-style: chr14-74706346-AG-A.
Other names: short protein forms R28fs.
Identifiers: ClinVar variation 1374787 (VCV001374787.6), dbSNP rs2139628382, ClinGen allele CA2573150164.